The following is an entry in ClinVar:

NM_018263.6(ASXL2):c.3495C>G (p.Asp1165Glu)

Gene: ASXL2 (ASXL transcriptional regulator 2; minus strand). Cytogenetic location: 2p23.3.
Variant type: single nucleotide variant.
Coding change: c.3495C>G on transcript NM_018263.6 (MANE Select); coding-DNA position 3495, C replaced by G.
Protein change: p.Asp1165Glu; replaces aspartic acid 1165 with glutamic acid.
Molecular consequence: missense variant.
Genome position (GRCh38, 1-based): chr2:25,742,842, G>C on the plus strand (C>G on the coding strand, the complement: ASXL2 is on the minus strand). VCF-style: chr2-25742842-G-C. GRCh37 (hg19) VCF-style: chr2-25965711-G-C.
Other names: c.3321C>G, p.Asp1107Glu (NM_001369346.1); c.2715C>G, p.Asp905Glu (NM_001369347.1); short protein forms D905E, D1165E, D1107E.
Identifiers: ClinVar variation 4589535 (VCV004589535.3).

ClinVar aggregate classification (germline): Uncertain significance. Review status: criteria provided, multiple submitters, no conflicts (2 of 4 stars). 2 submissions from 2 submitters: Uncertain significance (2). Last evaluated 2025-11-26.

Conditions:
Inborn genetic diseases. Identifiers: MedGen C0950123, MeSH D030342.

Submissions (2):

Ambry Genetics
Classification: Uncertain significance for Inborn genetic diseases. Last evaluated: 2025-11-26. Review status: criteria provided, single submitter. Criteria: Ambry Variant Classification Scheme 2023. Collection method: clinical testing. Allele origin: germline.

Dasa
Classification: Uncertain significance. Last evaluated: 2025-01-10. Review status: criteria provided, single submitter. Criteria: DASA Assertion Criteria. Collection method: clinical testing. Allele origin: germline.
Comment: NM_018263.6(ASXL2):c.3495C>G (p.Asp1165Glu) is a missense variant that results in the substitution of aspartic acid with glutamic acid. This variant is rare in population databases. Computational prediction algorithms are consistent with a benign effect. The currently available literature and clinical evidence are not sufficient to establish a definitive association between this variant and the reported condition. Therefore, this variant is classified as a variant of uncertain significance.